The following is an entry in ClinVar:

ClinVar aggregate classification (germline): Uncertain significance (1 of 4 stars; one submission).

gnomAD v4.1: 7 of 1,353,818 alleles (0.00052%); highest among the groups gnomAD compares: Non-Finnish European, 0.00067%; no homozygotes.

Submission:

Women's Health and Genetics/Laboratory Corporation of America, LabCorp
Classification: Uncertain significance. Last evaluated: 2025-12-02. Review status: criteria provided, single submitter. Criteria: LabCorp Variant Classification Summary - May 2015. Collection method: clinical testing. Allele origin: germline.
Comment: Variant summary: HCN1 c.43G>T (p.Asp15Tyr) results in a non-conservative amino acid change in the encoded protein sequence. Algorithms developed to predict the effect of missense changes on protein structure and function all suggest that this variant is likely to be disruptive. The frequency data for this variant in gnomAD is considered unreliable, as metrics indicate poor data quality at this position. To our knowledge, no occurrence of c.43G>T in individuals affected with HCN1-related conditions and no experimental evidence demonstrating its impact on protein function have been reported. No submitters have cited clinical-significance assessments for this variant to ClinVar. Based on the evidence outlined above, the variant was classified as uncertain significance.

NM_021072.4(HCN1):c.43G>T (p.Asp15Tyr)

Gene: HCN1 (hyperpolarization activated cyclic nucleotide gated potassium channel 1; minus strand). Cytogenetic location: 5p12.
Variant type: single nucleotide variant.
Coding change: c.43G>T on transcript NM_021072.4 (MANE Select); coding-DNA position 43, G replaced by T.
Protein change: p.Asp15Tyr; replaces aspartic acid 15 with tyrosine.
Molecular consequence: missense variant.
Genome position (GRCh38, 1-based): chr5:45,696,051, C>A on the plus strand (G>T on the coding strand, the complement: HCN1 is on the minus strand). VCF-style: chr5-45696051-C-A. GRCh37 (hg19) VCF-style: chr5-45696153-C-A.
Other names: short protein forms D15Y.
Identifiers: ClinVar variation 4688663 (VCV004688663.1).
Genomic context (GRCh38, chr5:45,696,051, plus strand): 5'-CCGCGGCCGGCCCCGCGCCCGTCGCGGACGCCTTGGCGGGGAAGACGCTGTTGCCATCGT[C>A]CCGGCTGTTAGACGAAGAGTTGGGCTTGCCGCCTCCTTCCATGCCCGGAGGACGCGGCCG-3'
Protein context (NP_066550.2, residues 5-25): GKPNSSSNSR[Asp15Tyr]DGNSVFPAKA